The following is an entry in ClinVar:

NM_007294.4(BRCA1):c.5322C>A (p.Asn1774Lys)

Gene: BRCA1 (BRCA1 DNA repair associated; minus strand). Cytogenetic location: 17q21.31.
Variant type: single nucleotide variant.
Coding change: c.5322C>A on transcript NM_007294.4 (MANE Select); coding-DNA position 5322, C replaced by A.
Protein change: p.Asn1774Lys; replaces asparagine 1774 with lysine.
Molecular consequence: missense variant. On other transcripts: non-coding transcript variant (1).
Genome position (GRCh38, 1-based): chr17:43,051,073, G>T on the plus strand (C>A on the coding strand, the complement: BRCA1 is on the minus strand). VCF-style: chr17-43051073-G-T. GRCh37 (hg19) VCF-style: chr17-41203090-G-T.
Other names: c.5193C>A, p.Asn1731Lys (NM_001407685.1, NM_001407686.1, NM_001407687.1 and 6 more transcripts); c.5190C>A, p.Asn1730Lys (NM_001407690.1, NM_001407691.1); c.5181C>A, p.Asn1727Lys (NM_001407692.1, NM_001407694.1, NM_001407695.1 and 13 more transcripts); c.5178C>A, p.Asn1726Lys (NM_001407732.1, NM_001407733.1, NM_001407734.1 and 21 more transcripts); c.5175C>A, p.Asn1725Lys (NM_001407838.1, NM_001407839.1, NM_001407841.1 and 12 more transcripts); c.1887C>A, p.Asn629Lys (NM_001408444.1, NM_001408435.1, NM_001408436.1 and 10 more transcripts); c.1884C>A, p.Asn628Lys (NM_001408445.1, NM_001408446.1, NM_001408447.1 and 2 more transcripts); c.1878C>A, p.Asn626Lys (NM_001408451.1); and 72 more; short protein forms N1727K, N1774K, N1795K, N670K, N1646K, N1685K, N1703K, N1725K.
Identifiers: ClinVar variation 868302 (VCV000868302.3), dbSNP rs2051198731, ClinGen allele CA10590908.

Conditions:
Breast-ovarian cancer, familial, susceptibility to, 1 (BROVCA1). Also called: BRCA1 Hereditary Breast and Ovarian Cancer; OVARIAN CANCER, SUSCEPTIBILITY TO. Identifiers: Orphanet 145, MedGen C2676676, MONDO:0011450, OMIM 604370. Disease mechanism: loss of function.

Submission:

Brotman Baty Institute, University of Washington
No classification provided (evidence only). Condition: Breast-ovarian cancer, familial 1. Review status: no classification provided. Collection method: in vitro. Allele origin: not applicable. Functional consequence: functionally_normal.
ClinVar note: "not provided" was previously submitted as the classification for the variant. However, the classification appeared to be based only on an observation of functional data so it was converted to no classification on 2025-07-30.